The following is an entry in ClinVar:

NM_001127453.2(GSDME):c.1258-2_1267del

Gene: GSDME (gasdermin E; minus strand). Cytogenetic location: 7p15.3.
Variant type: Deletion.
Coding change: c.1258-2_1267del on transcript NM_001127453.2 (MANE Select); the canonical splice acceptor site of the intron before coding-DNA position 1258 through coding-DNA position 1267, 12 bases deleted (AGCTTCGTGCTC).
Molecular consequence: splice acceptor variant.
Genome position (GRCh38, 1-based): chr7:24,699,250-24,699,261, GAGCACGAAGCT deleted on the plus strand (AGCTTCGTGCTC on the coding strand, the reverse complement: GSDME is on the minus strand); deleting any 12 consecutive bases within chr7:24,699,250-24,699,263 gives the same sequence; the c. name uses the placement nearest the transcript's 3' end. VCF-style (leftmost placement, unchanged base first): chr7-24699249-AGAGCACGAAGCT-A. GRCh37 (hg19) VCF-style: chr7-24738868-AGAGCACGAAGCT-A.
Other names: c.766-2_775del (NM_001127454.2); c.1258-2_1267del (NM_004403.3).
Identifiers: ClinVar variation 1309695 (VCV001309695.2), dbSNP rs2128044552, ClinGen allele CA2573052858.
Genomic context (GRCh38, chr7:24,699,249, plus strand): 5'-TCTGTATCTTTCAGGGGAGTCAAGGTTGGGTCTTCAAGATCAGATACTCCATCATCAGAC[AGAGCACGAAGCT>A]GAAATGACACATTTAAACAAATTCACTTTTAAAATGTCCTAAAAAATCCACATTGGATAG-3'

ClinVar aggregate classification (germline): Uncertain significance (1 of 4 stars; one submission).

Submission:

GeneDx
Classification: Uncertain significance. Last evaluated: 2019-10-30. Review status: criteria provided, single submitter. Criteria: GeneDx Variant Classification Process June 2021. Collection method: clinical testing. Allele origin: germline. Affected: yes.
Comment: Not observed in large population cohorts (Lek et al., 2016); Canonical splice site variant in a gene for which loss-of-function is not a known mechanism of disease; Has not been previously published as pathogenic or benign to our knowledge